The following is an entry in ClinVar:

NM_001458.5(FLNC):c.5842+17G>A

Genes: FLNC (filamin C; plus strand), FLNC-AS1 (FLNC antisense RNA 1; minus strand). Cytogenetic location: 7q32.1.
Variant type: single nucleotide variant.
Coding change: c.5842+17G>A on transcript NM_001458.5 (MANE Select); 17 bases into the intron after coding-DNA position 5842, G replaced by A.
Molecular consequence: intron variant.
Genome position (GRCh38, 1-based): chr7:128,851,645, G>A. VCF-style: chr7-128851645-G-A. GRCh37 (hg19) VCF-style: chr7-128491699-G-A.
Other names: c.5743+17G>A (NM_001127487.2).
Identifiers: ClinVar variation 515855 (VCV000515855.12), dbSNP rs374289007, ClinGen allele CA4475802.

ClinVar aggregate classification (germline): Benign/Likely benign. Review status: criteria provided, multiple submitters, no conflicts (2 of 4 stars). 4 submissions from 4 submitters: Benign (2); Likely benign (2). Last evaluated 2026-01-31.

Conditions:
Hypertrophic cardiomyopathy 26. Also called: Cardiomyopathy, familial hypertrophic, 26. Identifiers: Orphanet 75249, MedGen C4310749, MONDO:0014883, OMIM 617047.
Distal myopathy with posterior leg and anterior hand involvement. Also called: WILLIAMS DISTAL MYOPATHY. Identifiers: Orphanet 63273, MedGen C3279722, MONDO:0013550, OMIM 614065.
Myofibrillar myopathy 5. Also called: Filaminopathy (type); FILAMINOPATHY, AUTOSOMAL DOMINANT. Identifiers: Orphanet 171445, MedGen C1836050, MONDO:0012289, OMIM 609524.

Allele frequency attached by ClinVar (database versions not stated): gnomAD exomes 0.00011 and 0.00029; ExAC 0.00037; ESP Exome Variant Server 0.00062; TOPMed 0.00121; 1000 Genomes Project 0.00240; 1000 Genomes Project 30x 0.00250.
gnomAD v4.1: 344 of 1,613,016 alleles (0.021%); highest among the groups gnomAD compares: African/African-American, 0.44%; 1 homozygote.

Submissions (4):

Labcorp Genetics (formerly Invitae), Labcorp
Classification: Benign for Distal myopathy with posterior leg and anterior hand involvement; Myofibrillar myopathy 5; Hypertrophic cardiomyopathy 26. Last evaluated: 2026-01-31. Review status: criteria provided, single submitter. Criteria: Invitae Variant Classification Sherloc (09022015). Collection method: clinical testing. Allele origin: germline.

Women's Health and Genetics/Laboratory Corporation of America, LabCorp
Classification: Benign. Last evaluated: 2025-07-05. Review status: criteria provided, single submitter. Criteria: LabCorp Variant Classification Summary - May 2015. Collection method: clinical testing. Allele origin: germline.

Blueprint Genetics
Classification: Likely benign. Last evaluated: 2024-06-19. Review status: criteria provided, single submitter. Criteria: ACMG Guidelines, 2015. Collection method: clinical testing. Allele origin: germline.

GeneDx
Classification: Likely benign. Last evaluated: 2018-03-01. Review status: criteria provided, single submitter. Criteria: GeneDx Variant Classification (06012015). Collection method: clinical testing. Allele origin: germline. Affected: yes.
Comment: This variant is considered likely benign or benign based on one or more of the following criteria: it is a conservative change, it occurs at a poorly conserved position in the protein, it is predicted to be benign by multiple in silico algorithms, and/or has population frequency not consistent with disease.